The following is an entry in ClinVar:

ClinVar aggregate classification (germline): Uncertain significance (1 of 4 stars; one submission).

Conditions:
Oculodentodigital dysplasia, autosomal recessive. Also called: OCULODENTOOSSEOUS DYSPLASIA, AUTOSOMAL RECESSIVE; ODDD, AUTOSOMAL RECESSIVE; ODOD, AUTOSOMAL RECESSIVE. Identifiers: Orphanet 2710, MedGen C2749477, MONDO:0009768, OMIM 257850.

Allele frequency attached by ClinVar (database versions not stated): gnomAD exomes below 0.00001.
gnomAD v4.1: 1 of 1,614,078 alleles (0.000062%); highest among the groups gnomAD compares: Non-Finnish European, 0.000085%; no homozygotes.

Submission:

Labcorp Genetics (formerly Invitae), Labcorp
Classification: Uncertain significance for Oculodentodigital dysplasia, autosomal recessive. Last evaluated: 2024-06-25. Review status: criteria provided, single submitter. Criteria: Invitae Variant Classification Sherloc (09022015). Collection method: clinical testing. Allele origin: germline.
Comment: This sequence change replaces aspartic acid, which is acidic and polar, with glycine, which is neutral and non-polar, at codon 292 of the GJA1 protein (p.Asp292Gly). This variant is not present in population databases (gnomAD no frequency). This variant has not been reported in the literature in individuals affected with GJA1-related conditions. ClinVar contains an entry for this variant (Variation ID: 2184101). Advanced modeling of protein sequence and biophysical properties (such as structural, functional, and spatial information, amino acid conservation, physicochemical variation, residue mobility, and thermodynamic stability) performed at Invitae indicates that this missense variant is not expected to disrupt GJA1 protein function with a negative predictive value of 80%. In summary, the available evidence is currently insufficient to determine the role of this variant in disease. Therefore, it has been classified as a Variant of Uncertain Significance.

NM_000165.5(GJA1):c.875A>G (p.Asp292Gly)

Gene: GJA1 (gap junction protein alpha 1; plus strand). Cytogenetic location: 6q22.31.
Variant type: single nucleotide variant.
Coding change: c.875A>G on transcript NM_000165.5 (MANE Select); coding-DNA position 875, A replaced by G.
Protein change: p.Asp292Gly; replaces aspartic acid 292 with glycine.
Molecular consequence: missense variant.
Genome position (GRCh38, 1-based): chr6:121,447,722, A>G. VCF-style: chr6-121447722-A-G. GRCh37 (hg19) VCF-style: chr6-121768868-A-G.
Other names: short protein forms D292G.
Identifiers: ClinVar variation 2184101 (VCV002184101.4), dbSNP rs1234957832, ClinGen allele CA365559962.